The following is an entry in ClinVar:

ClinVar aggregate classification (germline): Uncertain significance (1 of 4 stars; one submission).

Submission:

GeneDx
Classification: Uncertain significance. Last evaluated: 2025-08-02. Review status: criteria provided, single submitter. Criteria: GeneDx Variant Classification Process June 2021. Collection method: clinical testing. Allele origin: germline. Affected: yes.
Comment: Not observed at significant frequency in large population cohorts (gnomAD); In silico analysis suggests that this missense variant does not alter protein structure/function; Has not been previously published as pathogenic or benign to our knowledge

NM_024422.6(DSC2):c.2508A>C (p.Glu836Asp)

Gene: DSC2 (desmocollin 2; minus strand). Cytogenetic location: 18q12.1.
Variant type: single nucleotide variant.
Coding change: c.2508A>C on transcript NM_024422.6 (MANE Select); coding-DNA position 2508, A replaced by C.
Protein change: p.Glu836Asp; replaces glutamic acid 836 with aspartic acid.
Molecular consequence: missense variant.
Genome position (GRCh38, 1-based): chr18:31,068,894, T>G on the plus strand (A>C on the coding strand, the complement: DSC2 is on the minus strand). VCF-style: chr18-31068894-T-G. GRCh37 (hg19) VCF-style: chr18-28648860-T-G.
Other names: c.2079A>C, p.Glu693Asp (NM_001406506.1, NM_001406507.1); c.2508A>C, p.Glu836Asp (NM_004949.5); short protein forms E693D, E836D.
Identifiers: ClinVar variation 4689985 (VCV004689985.1).